The following is an entry in ClinVar:

NM_001372051.1(CASP8):c.94C>G (p.Gln32Glu)

Gene: CASP8 (caspase 8; plus strand). Cytogenetic location: 2q33.1.
Variant type: single nucleotide variant.
Coding change: c.94C>G on transcript NM_001372051.1 (MANE Select); coding-DNA position 94, C replaced by G.
Protein change: p.Gln32Glu; replaces glutamine 32 with glutamic acid.
Molecular consequence: missense variant. On other transcripts: 5 prime UTR variant (9), non-coding transcript variant (22), intron variant (3).
Genome position (GRCh38, 1-based): chr2:201,266,580, C>G. VCF-style: chr2-201266580-C-G. GRCh37 (hg19) VCF-style: chr2-202131303-C-G.
Other names: c.94C>G, p.Gln32Glu (NM_001080124.2, NM_001228.5, NM_001400645.1 and 21 more transcripts); c.271C>G, p.Gln91Glu (NM_001080125.2, NM_001400642.1, NM_001400665.1); c.-439C>G (NM_001400671.1, NM_001400673.1, NM_001400676.1 and 4 more transcripts); c.-620C>G (NM_001400674.1); c.-518C>G (NM_001400680.1); c.-4-4936C>G (NM_001400669.1); c.-227-4936C>G (NM_001400672.1, NM_001400675.1); short protein forms Q32E, Q91E.
Identifiers: ClinVar variation 972100 (VCV000972100.7), dbSNP rs999368756, ClinGen allele CA63878565.

ClinVar aggregate classification (germline): Uncertain significance (1 of 4 stars; one submission).

Conditions:
Autoimmune lymphoproliferative syndrome type 2B. Also called: AUTOIMMUNE LYMPHOPROLIFERATIVE SYNDROME, TYPE IIB. Identifiers: Orphanet 275517, MedGen C1846545, MONDO:0011804, OMIM 607271.

Allele frequency attached by ClinVar (database versions not stated): gnomAD exomes 0.00001; gnomAD 0.00002; TOPMed 0.00002.
gnomAD v4.1: 24 of 1,614,048 alleles (0.0015%); highest among the groups gnomAD compares: Non-Finnish European, 0.0019%; no homozygotes.

Submission:

Labcorp Genetics (formerly Invitae), Labcorp
Classification: Uncertain significance for Autoimmune lymphoproliferative syndrome type 2B. Last evaluated: 2022-07-12. Review status: criteria provided, single submitter. Criteria: Invitae Variant Classification Sherloc (09022015). Collection method: clinical testing. Allele origin: germline.
Comment: This sequence change replaces glutamine, which is neutral and polar, with glutamic acid, which is acidic and polar, at codon 32 of the CASP8 protein (p.Gln32Glu). This variant is not present in population databases (gnomAD no frequency). This variant has not been reported in the literature in individuals affected with CASP8-related conditions. ClinVar contains an entry for this variant (Variation ID: 972100). Algorithms developed to predict the effect of missense changes on protein structure and function (SIFT, PolyPhen-2, Align-GVGD) all suggest that this variant is likely to be tolerated. In summary, the available evidence is currently insufficient to determine the role of this variant in disease. Therefore, it has been classified as a Variant of Uncertain Significance.